The following is an entry in ClinVar:

ClinVar aggregate classification (germline): Uncertain significance (1 of 4 stars; one submission).

Conditions:
Cardiovascular phenotype. Identifiers: MedGen CN230736.

Submission:

Ambry Genetics
Classification: Uncertain significance for Cardiovascular phenotype. Last evaluated: 2023-04-24. Review status: criteria provided, single submitter. Criteria: Ambry Variant Classification Scheme 2023. Collection method: clinical testing. Allele origin: germline.
Comment: The p.D522E variant (also known as c.1566C>A), located in coding exon 13 of the MYH7 gene, results from a C to A substitution at nucleotide position 1566. The aspartic acid at codon 522 is replaced by glutamic acid, an amino acid with highly similar properties. This amino acid position is well conserved in available vertebrate species. In addition, this alteration is predicted to be tolerated by in silico analysis. Since supporting evidence is limited at this time, the clinical significance of this alteration remains unclear.

NM_000257.4(MYH7):c.1566C>A (p.Asp522Glu)

Gene: MYH7 (myosin heavy chain 7; minus strand). Cytogenetic location: 14q11.2.
Variant type: single nucleotide variant.
Coding change: c.1566C>A on transcript NM_000257.4 (MANE Select); coding-DNA position 1566, C replaced by A.
Protein change: p.Asp522Glu; replaces aspartic acid 522 with glutamic acid.
Molecular consequence: missense variant.
Genome position (GRCh38, 1-based): chr14:23,428,512, G>T on the plus strand (C>A on the coding strand, the complement: MYH7 is on the minus strand). VCF-style: chr14-23428512-G-T. GRCh37 (hg19) VCF-style: chr14-23897721-G-T.
Other names: c.1566C>A, p.Asp522Glu (NM_001407004.1); short protein forms D522E.
Identifiers: ClinVar variation 2563050 (VCV002563050.2), dbSNP rs773746317, ClinGen allele CA389050309.